The following is an entry in ClinVar:

ClinVar aggregate classification (germline): Uncertain significance (1 of 4 stars; one submission).

gnomAD v4.1: 1 of 1,566,486 alleles (0.000064%); highest among the groups gnomAD compares: Non-Finnish European, 0.000086%; no homozygotes.

Submission:

CeGaT Center for Human Genetics Tuebingen
Classification: Uncertain significance. Last evaluated: 2024-11-01. Review status: criteria provided, single submitter. Criteria: CeGaT Center For Human Genetics Tuebingen Variant Classification Criteria Version 2. Collection method: clinical testing. Allele origin: germline. Affected: yes. Observed: 1 variant allele.
Comment: STAG1: PM2, BP4

NM_005862.3(STAG1):c.3272A>G (p.Asp1091Gly)

Gene: STAG1 (STAG1 cohesin complex component; minus strand). Cytogenetic location: 3q22.3.
Variant type: single nucleotide variant.
Coding change: c.3272A>G on transcript NM_005862.3 (MANE Select); coding-DNA position 3272, A replaced by G.
Protein change: p.Asp1091Gly; replaces aspartic acid 1091 with glycine.
Molecular consequence: missense variant.
Genome position (GRCh38, 1-based): chr3:136,344,006, T>C on the plus strand (A>G on the coding strand, the complement: STAG1 is on the minus strand). VCF-style: chr3-136344006-T-C. GRCh37 (hg19) VCF-style: chr3-136062848-T-C.
Other names: short protein forms D1091G.
Identifiers: ClinVar variation 3390209 (VCV003390209.14).